The following is an entry in ClinVar:

NM_001102564.3(IFT43):c.91G>C (p.Ala31Pro)

Gene: IFT43 (intraflagellar transport 43; plus strand). Cytogenetic location: 14q24.3.
Variant type: single nucleotide variant.
Coding change: c.91G>C on transcript NM_001102564.3 (MANE Select); coding-DNA position 91, G replaced by C.
Protein change: p.Ala31Pro; replaces alanine 31 with proline.
Molecular consequence: missense variant. On other transcripts: non-coding transcript variant (2).
Genome position (GRCh38, 1-based): chr14:75,988,921, G>C. VCF-style: chr14-75988921-G-C. GRCh37 (hg19) VCF-style: chr14-76455264-G-C.
Other names: c.91G>C, p.Ala31Pro (NM_001255995.3, NM_052873.3); short protein forms A31P.
Identifiers: ClinVar variation 954312 (VCV000954312.10), dbSNP rs1330242492, ClinGen allele CA390472978.

ClinVar aggregate classification (germline): Uncertain significance. Review status: criteria provided, multiple submitters, no conflicts (2 of 4 stars). 2 submissions from 2 submitters: Uncertain significance (2). Last evaluated 2024-02-23.

Conditions:
Cranioectodermal dysplasia 3 (CED3). Identifiers: Orphanet 1515, MedGen C3279807, MONDO:0013573, OMIM 614099.
Short-rib thoracic dysplasia 18 with polydactyly. Identifiers: MedGen C4693420, MONDO:0036483, OMIM 617866.
Retinitis pigmentosa 81 (RP81). Identifiers: MedGen C4693443, MONDO:0036482, OMIM 617871.

Allele frequency attached by ClinVar (database versions not stated): gnomAD exomes below 0.00001; gnomAD 0.00001.
gnomAD v4.1: 4 of 1,614,056 alleles (0.00025%); highest among the groups gnomAD compares: Admixed American, 0.005%; no homozygotes.

Submissions (2):

Labcorp Genetics (formerly Invitae), Labcorp
Classification: Uncertain significance. Last evaluated: 2024-02-23. Review status: criteria provided, single submitter. Criteria: Invitae Variant Classification Sherloc (09022015). Collection method: clinical testing. Allele origin: germline.
Comment: This sequence change replaces alanine, which is neutral and non-polar, with proline, which is neutral and non-polar, at codon 31 of the IFT43 protein (p.Ala31Pro). This variant is present in population databases (no rsID available, gnomAD 0.003%). This variant has not been reported in the literature in individuals affected with IFT43-related conditions. ClinVar contains an entry for this variant (Variation ID: 954312). Algorithms developed to predict the effect of missense changes on protein structure and function output the following: SIFT: "Not Available"; PolyPhen-2: "Benign"; Align-GVGD: "Not Available". The proline amino acid residue is found in multiple mammalian species, which suggests that this missense change does not adversely affect protein function. In summary, the available evidence is currently insufficient to determine the role of this variant in disease. Therefore, it has been classified as a Variant of Uncertain Significance.

Fulgent Genetics
Classification: Uncertain significance for Cranioectodermal dysplasia 3; Short-rib thoracic dysplasia 18 with polydactyly; Retinitis pigmentosa 81. Last evaluated: 2021-10-18. Review status: criteria provided, single submitter. Criteria: ACMG Guidelines, 2015. Collection method: clinical testing. Allele origin: unknown.